The following is an entry in ClinVar:

ClinVar aggregate classification (germline): Likely benign. Review status: criteria provided, multiple submitters, no conflicts (2 of 4 stars). 2 submissions from 2 submitters: Likely benign (2). Last evaluated 2025-08-01.

Conditions:
Hereditary cancer-predisposing syndrome. Also called: Neoplastic Syndromes, Hereditary; Tumor predisposition; Hereditary Cancer Syndrome; Hereditary neoplastic syndrome. Identifiers: Orphanet 140162, MedGen C0027672, MeSH D009386, MONDO:0015356.

Submissions (2):

CeGaT Center for Human Genetics Tuebingen
Classification: Likely benign. Last evaluated: 2025-08-01. Review status: criteria provided, single submitter. Criteria: CeGaT Center For Human Genetics Tuebingen Variant Classification Criteria Version 2. Collection method: clinical testing. Allele origin: germline. Affected: yes. Observed: 1 variant allele.
Comment: PHOX2B: BP4, BP7

Ambry Genetics
Classification: Likely benign for Hereditary cancer-predisposing syndrome. Last evaluated: 2024-09-23. Review status: criteria provided, single submitter. Criteria: Ambry Variant Classification Scheme 2023. Collection method: clinical testing. Allele origin: germline.

NM_003924.4(PHOX2B):c.687C>T (p.Pro229=)

Gene: PHOX2B (paired like homeobox 2B; minus strand). Cytogenetic location: 4p13.
Variant type: single nucleotide variant.
Coding change: c.687C>T on transcript NM_003924.4 (MANE Select); coding-DNA position 687, C replaced by T.
Protein change: p.Pro229=; no amino-acid change (proline 229 retained).
Molecular consequence: synonymous variant.
Genome position (GRCh38, 1-based): chr4:41,746,065, G>A on the plus strand (C>T on the coding strand, the complement: PHOX2B is on the minus strand). VCF-style: chr4-41746065-G-A. GRCh37 (hg19) VCF-style: chr4-41748082-G-A.
Identifiers: ClinVar variation 3417947 (VCV003417947.9).